The following is an entry in ClinVar:

NM_000038.6(APC):c.5572C>T (p.Arg1858Ter)

Gene: APC (APC regulator of Wnt signaling pathway; plus strand). Cytogenetic location: 5q22.2.
Variant type: single nucleotide variant.
Coding change: c.5572C>T on transcript NM_000038.6 (MANE Select); coding-DNA position 5572, C replaced by T.
Protein change: p.Arg1858Ter; replaces arginine 1858 with a stop codon.
Molecular consequence: nonsense.
Genome position (GRCh38, 1-based): chr5:112,841,166, C>T. VCF-style: chr5-112841166-C-T. GRCh37 (hg19) VCF-style: chr5-112176863-C-T.
Other names: c.5572C>T, p.Arg1858Ter (NM_001127510.3, NM_001354895.2); c.5518C>T, p.Arg1840Ter (NM_001127511.3); c.5626C>T, p.Arg1876Ter (NM_001354896.2); c.5602C>T, p.Arg1868Ter (NM_001354897.2); c.5497C>T, p.Arg1833Ter (NM_001354898.2); c.5488C>T, p.Arg1830Ter (NM_001354899.2); c.5449C>T, p.Arg1817Ter (NM_001354900.2); c.5395C>T, p.Arg1799Ter (NM_001354901.2); and 5 more; short protein forms R1840*, R1858*, R1833*, R1876*, R1698*, R1732*, R1767*, R1817*.
Identifiers: ClinVar variation 486765 (VCV000486765.41), dbSNP rs1270783041, ClinGen allele CA16033525.
Genomic context (GRCh38, chr5:112,841,166, plus strand): 5'-TTTGCTTTTGATTCACCTCATCATTACACGCCTATTGAAGGAACTCCTTACTGTTTTTCA[C>T]GAAATGATTCTTTGAGTTCTCTAGATTTTGATGATGATGATGTTGACCTTTCCAGGGAAA-3'

ClinVar aggregate classification (germline): Pathogenic. Review status: criteria provided, multiple submitters, no conflicts (2 of 4 stars). 10 submissions from 10 submitters: Pathogenic (9). 1 of the submissions does not count toward it. Last evaluated 2025-12-18.
ClinVar aggregate classification (oncogenicity): Likely oncogenic (1 of 4 stars; one submission).

Conditions:
Hereditary cancer-predisposing syndrome. Also called: Tumor predisposition; Hereditary neoplastic syndrome; Hereditary Cancer Syndrome; Neoplastic Syndromes, Hereditary. Identifiers: Orphanet 140162, MedGen C0027672, MeSH D009386, MONDO:0015356.
Classic or attenuated familial adenomatous polyposis. Identifiers: MedGen CN372698, MONDO:0021057.
APC-related disorder. Also called: APC-related condition.
Gastric cancer. Also called: Stomach cancer; Malignant tumor of stomach. Identifiers: MedGen C0024623, MeSH D013274, MONDO:0001056, OMIM 613659, HP:0012126.
Familial adenomatous polyposis 1 (FAP1). Also called: FAMILIAL ADENOMATOUS POLYPOSIS 1, ATTENUATED; POLYPOSIS, ADENOMATOUS INTESTINAL. Identifiers: MedGen C2713442, MONDO:0021056, OMIM 175100. Disease mechanism: loss of function.
Neoplasm. Also called: Neoplasms; Neoplasm (disease); tumor. Identifiers: MedGen C0027651, MeSH D009369, MONDO:0005070, HP:0002664.

Submissions (11):

Ambry Genetics
Classification: Pathogenic for Hereditary cancer-predisposing syndrome. Last evaluated: 2025-12-18. Review status: criteria provided, single submitter. Criteria: Ambry Variant Classification Scheme 2023. Collection method: clinical testing. Allele origin: germline.
Comment: The p.R1858* pathogenic mutation (also known as c.5572C>T), located in coding exon 15 of the APC gene, results from a C to T substitution at nucleotide position 5572. This changes the amino acid from an arginine to a stop codon within coding exon 15. This alteration is expected to result in loss of function by premature protein truncation or nonsense-mediated mRNA decay. As such, this alteration is interpreted as a disease-causing mutation.

Labcorp Genetics (formerly Invitae), Labcorp
Classification: Pathogenic for Familial adenomatous polyposis 1. Last evaluated: 2025-08-11. Review status: criteria provided, single submitter. Criteria: Invitae Variant Classification Sherloc (09022015). Collection method: clinical testing. Allele origin: germline.
Comment: This sequence change creates a premature translational stop signal (p.Arg1858*) in the APC gene. While this is not anticipated to result in nonsense mediated decay, it is expected to disrupt the last 986 amino acid(s) of the APC protein. This variant is not present in population databases (gnomAD no frequency). This variant has not been reported in the literature in individuals affected with APC-related conditions. ClinVar contains an entry for this variant (Variation ID: 486765). This variant is expected to disrupt the EB1 and HDLG binding sites, which mediate interactions with the cytoskeleton (PMID: 15311282, 17293347). While functional studies have not been performed to directly test the effect on APC protein function, this suggests that disruption of the C-terminal portion of the protein is functionally important. A different truncation (p.Tyr2645Lysfs*14) that lies downstream of this variant has been determined to be pathogenic (PMID: 9824584, 1316610, 27081525, 8381579, 22135120, internal data). This suggests that deletion of this region of the APC protein is causative of disease. For these reasons, this variant has been classified as Pathogenic.

Center for Genomic Medicine, Rigshospitalet, Copenhagen University Hospital
Classification: Likely oncogenic for Neoplasm. Last evaluated: 2025-03-04. Review status: criteria provided, single submitter. Criteria: ClinGen/CGC/VICC Guidelines for Oncogenicity, 2022. Collection method: clinical testing. Allele origin: somatic. Affected: yes.

GeneDx
Classification: Pathogenic. Last evaluated: 2024-11-21. Review status: criteria provided, single submitter. Criteria: GeneDx Variant Classification Process June 2021. Collection method: clinical testing. Allele origin: germline. Affected: yes.
Comment: Nonsense variant predicted to result in protein truncation or nonsense mediated decay in a gene for which loss of function is a known mechanism of disease; Not observed at significant frequency in large population cohorts (gnomAD); Has not been previously published as a pathogenic or benign germline variant to our knowledge; This variant is associated with the following publications: (PMID: 26401016, 23685749, 25925381, 28137366)

Department of Pathology and Laboratory Medicine, Sinai Health System
Classification: Pathogenic for classic or attenuated familial adenomatous polyposis. Last evaluated: 2024-01-09. Review status: criteria provided, single submitter. Criteria: ACMG Guidelines, 2015. Collection method: clinical testing. Allele origin: germline.

All of Us Research Program, National Institutes of Health
Classification: Pathogenic for Classic or attenuated familial adenomatous polyposis. Last evaluated: 2024-01-08. Review status: criteria provided, single submitter. Criteria: ACMG Guidelines, 2015. Collection method: clinical testing. Allele origin: germline. Inheritance: Autosomal dominant inheritance. Observed: 1 variant allele, 1 heterozygote.
Comment: This variant changes 1 nucleotide in exon 16 of the APC gene, creating a premature translation stop signal. This variant is predicted to escape nonsense-mediated decay and be expressed as a truncated protein lacking the last 986 amino acids. Although functional studies have not been reported, this variant is expected to disrupt part of beta-catenin binding, SAMP-repeats, basic domain, EB1 binding, and HDLG binding (PMID: 23185543, 21858148). To our knowledge, this variant has not been reported in individuals affected with APC-related disorders in the literature. This variant has not been identified in the general population by the Genome Aggregation Database (gnomAD). Loss of APC function is a known mechanism of disease. Based on the available evidence, this variant is classified as Pathogenic.

This study involves interpretation of variants in research participants for the purpose of population health screening. Participant phenotype was not available at the time of variant classification. Additional details can be found in publication PMID: 35346344, PMCID: PMC8962531

Color Diagnostics, LLC DBA Color Health
Classification: Pathogenic for Hereditary cancer-predisposing syndrome. Last evaluated: 2023-09-20. Review status: criteria provided, single submitter. Criteria: ACMG Guidelines, 2015. Collection method: clinical testing. Allele origin: germline.
Comment: This variant changes 1 nucleotide in exon 16 of the APC gene, creating a premature translation stop signal. This variant is predicted to escape nonsense-mediated decay and be expressed as a truncated protein lacking the last 986 amino acids. Although functional studies have not been reported, this variant is expected to disrupt part of beta-catenin binding, SAMP-repeats, basic domain, EB1 binding, and HDLG binding (PMID: 23185543, 21858148). To our knowledge, this variant has not been reported in individuals affected with APC-related disorders in the literature. This variant has not been identified in the general population by the Genome Aggregation Database (gnomAD). Loss of APC function is a known mechanism of disease. Based on the available evidence, this variant is classified as Pathogenic.

Myriad Genetics, Inc.
Classification: Pathogenic for Familial adenomatous polyposis 1. Last evaluated: 2023-05-12. Review status: criteria provided, single submitter. Criteria: Myriad Autosomal Dominant, Autosomal Recessive and X-Linked Classification Criteria (2023). Collection method: clinical testing. Allele origin: unknown.
Comment: This variant is considered pathogenic. This variant creates a termination codon and is predicted to result in premature protein truncation.

PreventionGenetics, part of Exact Sciences
Classification: Pathogenic for APC-related condition. Last evaluated: 2023-01-26. Review status: criteria provided, single submitter. Criteria: ACMG Guidelines, 2015. Collection method: clinical testing. Allele origin: germline.
Comment: The APC c.5572C>T variant is predicted to result in premature protein termination (p.Arg1858*). To our knowledge, this variant has not been reported in the literature or a large population database, indicating this variant is rare. It is interpreted as pathogenic in ClinVar. This variant occurs in the last exon of APC. However, other protein truncating variants occurring downstream of this variant are reported to be causative for APC related disease (Miyoshi et al. 1992. PubMed ID: 1316610; Kerr et al. 2013. PubMed ID: 23159591). Truncating variants in APC are expected to be pathogenic. This variant is interpreted as pathogenic.

ARUP Laboratories, Molecular Genetics and Genomics, ARUP Laboratories
Classification: Pathogenic. Last evaluated: 2021-05-05. Review status: criteria provided, single submitter. Criteria: ARUP Molecular Germline Variant Investigation Process 2021. Collection method: clinical testing. Allele origin: germline.
Comment: The APC c.5572C>T; p.Arg1858Ter variant (rs1270783041), to our knowledge, is not reported in the medical literature but is reported in ClinVar (Variation ID: 486765). This variant is also absent from the Genome Aggregation Database, indicating it is not a common polymorphism. This variant results in a premature termination codon in the last exon of the APC gene. While this may not lead to nonsense-mediated decay, it is expected to create a truncated protein lacking the last 985 amino acids. Additionally, several downstream truncating variants have been described in individuals with familial adenomatous polyposis and are considered pathogenic (see InSiGHt, Eccles 2001, Kerr 2013). Based on available information, this variant is considered to be pathogenic. References: Link to InSiGHt. Eccles D et al. A novel 3' mutation in the APC gene in a family presenting with a desmoid tumour. J Med Genet. 2001 Dec;38(12):861-3. PMID: 11768389. Kerr SE et al. APC germline mutations in individuals being evaluated for familial adenomatous polyposis: a review of the Mayo Clinic experience with 1591 consecutive tests. J Mol Diagn. 2013 Jan;15(1):31-43.

Laboratory for Genotyping Development, RIKEN
Classification: Pathogenic for Gastric cancer. Last evaluated: 2021-07-01. Review status: no assertion criteria provided. Collection method: research. Allele origin: germline. Not counted in ClinVar's aggregate classification.

Literature cited by the submitters: PubMed 15311282 (cited by Labcorp Genetics (formerly Invitae), Labcorp); PubMed 17293347 (cited by Labcorp Genetics (formerly Invitae), Labcorp); PubMed 9824584 (cited by Labcorp Genetics (formerly Invitae), Labcorp); PubMed 1316610 (cited by Labcorp Genetics (formerly Invitae), Labcorp); PubMed 27081525 (cited by Labcorp Genetics (formerly Invitae), Labcorp); PubMed 8381579 (cited by Labcorp Genetics (formerly Invitae), Labcorp); PubMed 22135120 (cited by Labcorp Genetics (formerly Invitae), Labcorp); PubMed 18199528 (cited by Center for Genomic Medicine, Rigshospitalet, Copenhagen University Hospital); PubMed 21858148 (cited by All of Us Research Program, National Institutes of Health and Color Diagnostics, LLC DBA Color Health); PubMed 23185543 (cited by All of Us Research Program, National Institutes of Health and Color Diagnostics, LLC DBA Color Health); PubMed 36988593 (cited by Laboratory for Genotyping Development, RIKEN).